The following is an entry in ClinVar:

NM_175876.5(EXOC8):c.1815_1816del (p.Gly606_Asp607insTer)

Gene: EXOC8 (exocyst complex component 8; minus strand). Cytogenetic location: 1q42.2.
Variant type: Deletion.
Coding change: c.1815_1816del on transcript NM_175876.5 (MANE Select); coding-DNA positions 1815 to 1816, 2 bases deleted (AG; older notation c.1815_1816delAG).
Protein change: p.Gly606_Asp607insTer.
Molecular consequence: frameshift variant.
Genome position (GRCh38, 1-based): chr1:231,335,930-231,335,931, CT deleted on the plus strand (AG on the coding strand, the reverse complement: EXOC8 is on the minus strand). VCF-style (leftmost placement, unchanged base first): chr1-231335929-CCT-C. GRCh37 (hg19) VCF-style: chr1-231471675-CCT-C.
Other names: p.Asp607*.
Identifiers: ClinVar variation 983549 (VCV000983549.7), dbSNP rs1686661157, ClinGen allele CA1013287708.
Genomic context (GRCh38, chr1:231,335,929, plus strand): 5'-CCCATGGTCTGTTTGGTGAAAGCAACCACTGTGTAACTTAGGTTCACCCAGCAGTCATCC[CCT>C]GTGTACTGCTCAAAGTTACTTACCCCACAACTTTTCATCTCTTCTTTGAGCTTACCCAGG-3'

ClinVar aggregate classification (germline): Pathogenic/Likely pathogenic. Review status: criteria provided, multiple submitters, no conflicts (2 of 4 stars). 3 submissions from 3 submitters: Pathogenic (1); Likely pathogenic (1). 1 of the submissions does not count toward it. Last evaluated 2026-10-26.

Conditions:
Neurodevelopmental disorder with microcephaly, seizures, and brain atrophy. Identifiers: MedGen C5436747, MONDO:0033662, OMIM 619076.

Allele frequency attached by ClinVar (database versions not stated): TOPMed below 0.00001; gnomAD 0.00001; gnomAD exomes below 0.00001.

Submissions (3):

GeneDx
Classification: Likely pathogenic. Last evaluated: 2026-10-26. Review status: criteria provided, single submitter. Criteria: GeneDx Variant Classification Process June 2021. Collection method: clinical testing. Allele origin: germline.
Comment: Nonsense variant predicted to result in protein truncation as the last 119 amino acids are lost, although loss-of-function variants have not been reported downstream of this position in the protein; Not observed at significant frequency in large population cohorts (gnomAD); This variant is associated with the following publications: (PMID: 32103185, 42434812)

Department of Molecular Genetics, Istishari Arab Hospital
Classification: Pathogenic for Neurodevelopmental disorder with microcephaly, seizures, and brain atrophy. Last evaluated: 2026-03-17. Review status: criteria provided, single submitter. Criteria: ACMG Guidelines, 2015. Collection method: clinical testing. Allele origin: germline. Inheritance: Autosomal recessive inheritance. Affected: yes.
Comment: The EXOC8 variant c.1815_1816del, p.Asp607* is a 2-bp deletion in exon 1 of the EXOC8 gene, which is predicted to result in a frameshift and premature termination. The variant is observed at an extremely low frequency in the gnomAD v4.1.0 dataset (total allele frequency: <0.001%). This variant was previously reported in patients with severe global developmental delay with regression, seizures, muscle weakness, microcephaly, and brain atrophy (PMID: 32103185). It is classified as pathogenic according to the recommendations of ACMG/AMP/ClinGen SVI guidelines

OMIM
Classification: Pathogenic for NEURODEVELOPMENTAL DISORDER WITH MICROCEPHALY, SEIZURES, AND BRAIN ATROPHY (1 family). Last evaluated: 2026-04-13. Review status: no assertion criteria provided. Collection method: literature only. Allele origin: germline. Not counted in ClinVar's aggregate classification.

Literature cited by the submitters: PubMed 32103185 (cited by Department of Molecular Genetics, Istishari Arab Hospital and OMIM).